The following is an entry in ClinVar:

NM_003638.3(ITGA8):c.308C>T (p.Ser103Phe)

Gene: ITGA8 (integrin subunit alpha 8; minus strand). Cytogenetic location: 10p13.
Variant type: single nucleotide variant.
Coding change: c.308C>T on transcript NM_003638.3 (MANE Select); coding-DNA position 308, C replaced by T.
Protein change: p.Ser103Phe; replaces serine 103 with phenylalanine.
Molecular consequence: missense variant.
Genome position (GRCh38, 1-based): chr10:15,718,801, G>A on the plus strand (C>T on the coding strand, the complement: ITGA8 is on the minus strand). VCF-style: chr10-15718801-G-A. GRCh37 (hg19) VCF-style: chr10-15760800-G-A.
Other names: c.308C>T, p.Ser103Phe (NM_001291494.2); short protein forms S103F.
Identifiers: ClinVar variation 1988853 (VCV001988853.4), dbSNP rs368831453, ClinGen allele CA5420742.

ClinVar aggregate classification (germline): Uncertain significance (1 of 4 stars; one submission).

Allele frequency attached by ClinVar (database versions not stated): gnomAD exomes below 0.00001; ExAC 0.00001; gnomAD 0.00003; TOPMed 0.00003; ESP Exome Variant Server 0.00008.
gnomAD v4.1: 7 of 1,614,060 alleles (0.00043%); highest among the groups gnomAD compares: African/African-American, 0.008%; no homozygotes.

Submission:

Labcorp Genetics (formerly Invitae), Labcorp
Classification: Uncertain significance. Last evaluated: 2022-08-19. Review status: criteria provided, single submitter. Criteria: Invitae Variant Classification Sherloc (09022015). Collection method: clinical testing. Allele origin: germline.
Comment: This variant is present in population databases (rs368831453, gnomAD 0.01%). This variant has not been reported in the literature in individuals affected with ITGA8-related conditions. Algorithms developed to predict the effect of missense changes on protein structure and function are either unavailable or do not agree on the potential impact of this missense change (SIFT: "Tolerated"; PolyPhen-2: "Possibly Damaging"; Align-GVGD: "Class C0"). In summary, the available evidence is currently insufficient to determine the role of this variant in disease. Therefore, it has been classified as a Variant of Uncertain Significance. This sequence change replaces serine, which is neutral and polar, with phenylalanine, which is neutral and non-polar, at codon 103 of the ITGA8 protein (p.Ser103Phe).